The following is an entry in ClinVar:

ClinVar aggregate classification (germline): Uncertain significance (1 of 4 stars; one submission).

Conditions:
Cardiovascular phenotype. Identifiers: MedGen CN230736.

Submission:

Ambry Genetics
Classification: Uncertain significance for Cardiovascular phenotype. Last evaluated: 2025-07-21. Review status: criteria provided, single submitter. Criteria: Ambry Variant Classification Scheme 2023. Collection method: clinical testing. Allele origin: germline.
Comment: The p.G408R variant (also known as c.1222G>C), located in coding exon 1 of the ZNF469 gene, results from a G to C substitution at nucleotide position 1222. The glycine at codon 408 is replaced by arginine, an amino acid with dissimilar properties. This amino acid position is conserved. In addition, this alteration is predicted to be tolerated by in silico analysis. Based on the available evidence, the clinical significance of this variant remains unclear.

NM_001127464.1:c.1222G>C

Gene: ZNF469 (zinc finger protein 469; plus strand).
Variant type: single nucleotide variant.
Identifiers: ClinVar variation 4209174 (VCV004209174.1).